The following is an entry in ClinVar:

ClinVar aggregate classification (germline): Uncertain significance. Review status: criteria provided, multiple submitters, no conflicts (2 of 4 stars). 2 submissions from 2 submitters: Uncertain significance (2). Last evaluated 2025-07-20.

Submissions (2):

Dasa
Classification: Uncertain significance. Last evaluated: 2025-07-20. Review status: criteria provided, single submitter. Criteria: DASA Assertion Criteria. Collection method: clinical testing. Allele origin: germline.
Comment: NM_001321075.3(DLG4):c.1081T>A (p.Ser361Thr) is a missense variant that results in the substitution of serine with threonine. This variant is absent from population databases. Computational prediction algorithms are consistent with a benign effect. The currently available literature and clinical evidence are not sufficient to establish a definitive association between this variant and the reported condition. Therefore, this variant is classified as a variant of uncertain significance.

GeneDx
Classification: Uncertain significance. Last evaluated: 2024-06-10. Review status: criteria provided, single submitter. Criteria: GeneDx Variant Classification Process June 2021. Collection method: clinical testing. Allele origin: germline. Affected: yes.
Comment: Not observed at significant frequency in large population cohorts (gnomAD); In silico analysis indicates that this missense variant does not alter protein structure/function; Has not been previously published as pathogenic or benign to our knowledge

NM_001321075.3(DLG4):c.1081T>A (p.Ser361Thr)

Genes: DLG4 (discs large MAGUK scaffold protein 4; minus strand), LOC126862479 (MED14-independent group 3 enhancer GRCh37_chr17:7099412-7100611; plus strand). Cytogenetic location: 17p13.1.
Variant type: single nucleotide variant.
Coding change: c.1081T>A on transcript NM_001321075.3 (MANE Select); coding-DNA position 1081, T replaced by A.
Protein change: p.Ser361Thr; replaces serine 361 with threonine.
Molecular consequence: missense variant. On other transcripts: non-coding transcript variant (1).
Genome position (GRCh38, 1-based): chr17:7,196,759, A>T on the plus strand (T>A on the coding strand, the complement: DLG4 is on the minus strand). VCF-style: chr17-7196759-A-T. GRCh37 (hg19) VCF-style: chr17-7100078-A-T.
Other names: c.1072T>A, p.Ser358Thr (NM_001128827.4); c.1201T>A, p.Ser401Thr (NM_001321074.1); c.901T>A, p.Ser301Thr (NM_001321076.3, NM_001321077.3); c.1210T>A, p.Ser404Thr (NM_001365.5); c.1000T>A, p.Ser334Thr (NM_001369566.3); short protein forms S301T, S334T, S358T, S361T, S401T, S404T.
Identifiers: ClinVar variation 3390747 (VCV003390747.3).